The following is an entry in ClinVar:

ClinVar aggregate classification (germline): Uncertain significance (1 of 4 stars; one submission).

gnomAD v4.1: 1 of 1,603,372 alleles (0.000062%); highest among the groups gnomAD compares: East Asian, 0.0022%; no homozygotes.

Submission:

Ambry Genetics
Classification: Uncertain significance. Last evaluated: 2024-03-15. Review status: criteria provided, single submitter. Criteria: Ambry Variant Classification Scheme 2023. Collection method: clinical testing. Allele origin: germline.
Comment: The p.E1091G variant (also known as c.3272A>G), located in coding exon 28 of the PRKDC gene, results from an A to G substitution at nucleotide position 3272. The glutamic acid at codon 1091 is replaced by glycine, an amino acid with similar properties. This amino acid position is conserved. In addition, the in silico prediction for this alteration is inconclusive. Based on the available evidence, the clinical significance of this alteration remains unclear.

NM_006904.7(PRKDC):c.3272A>G (p.Glu1091Gly)

Gene: PRKDC (protein kinase, DNA-activated, catalytic subunit; minus strand). Cytogenetic location: 8q11.21.
Variant type: single nucleotide variant.
Coding change: c.3272A>G on transcript NM_006904.7 (MANE Select); coding-DNA position 3272, A replaced by G.
Protein change: p.Glu1091Gly; replaces glutamic acid 1091 with glycine.
Molecular consequence: missense variant.
Genome position (GRCh38, 1-based): chr8:47,900,465, T>C on the plus strand (A>G on the coding strand, the complement: PRKDC is on the minus strand). VCF-style: chr8-47900465-T-C. GRCh37 (hg19) VCF-style: chr8-48813025-T-C.
Other names: c.3272A>G, p.Glu1091Gly (NM_001081640.2); short protein forms E1091G.
Identifiers: ClinVar variation 3310079 (VCV003310079.1).